The following is an entry in ClinVar:

NM_014956.5(CEP164):c.129A>G (p.Glu43=)

Gene: CEP164 (centrosomal protein 164; plus strand). Cytogenetic location: 11q23.3.
Variant type: single nucleotide variant.
Coding change: c.129A>G on transcript NM_014956.5 (MANE Select); coding-DNA position 129, A replaced by G.
Protein change: p.Glu43=; no amino-acid change (glutamic acid 43 retained).
Molecular consequence: synonymous variant.
Genome position (GRCh38, 1-based): chr11:117,344,212, A>G. VCF-style: chr11-117344212-A-G. GRCh37 (hg19) VCF-style: chr11-117214928-A-G.
Other names: c.129A>G, p.Glu43= (NM_001271933.2); c.129A>G (NM_014956.4).
Identifiers: ClinVar variation 1655210 (VCV001655210.10), dbSNP rs762888111, ClinGen allele CA6294331.

ClinVar aggregate classification (germline): Likely benign. Review status: criteria provided, multiple submitters, no conflicts (2 of 4 stars). 3 submissions from 3 submitters: Likely benign (3). Last evaluated 2025-05-13.

Conditions:
Nephronophthisis 15 (NPHP15). Identifiers: Orphanet 3156, MedGen C3541853, MONDO:0013917, OMIM 614845.
CEP164-related disorder. Also called: CEP164-related condition.

Allele frequency attached by ClinVar (database versions not stated): gnomAD exomes below 0.00001 and 0.00003; TOPMed 0.00001; ExAC 0.00005.
gnomAD v4.1: 6 of 1,613,714 alleles (0.00037%); highest among the groups gnomAD compares: East Asian, 0.013%; no homozygotes.

Submissions (3):

PreventionGenetics, part of Exact Sciences
Classification: Likely benign for CEP164-related condition. Last evaluated: 2025-05-13. Review status: criteria provided, single submitter. Criteria: ACMG Guidelines, 2015. Collection method: clinical testing. Allele origin: germline.
Comment: This variant is classified as likely benign based on ACMG/AMP sequence variant interpretation guidelines (Richards et al. 2015 PMID: 25741868, with internal and published modifications).

Labcorp Genetics (formerly Invitae), Labcorp
Classification: Likely benign for Nephronophthisis 15. Last evaluated: 2023-06-25. Review status: criteria provided, single submitter. Criteria: Invitae Variant Classification Sherloc (09022015). Collection method: clinical testing. Allele origin: germline.

Blueprint Genetics
Classification: Likely benign. Last evaluated: 2022-09-22. Review status: criteria provided, single submitter. Criteria: ACMG Guidelines, 2015. Collection method: clinical testing. Allele origin: germline.